The following is an entry in ClinVar:

ClinVar aggregate classification (germline): Conflicting classifications of pathogenicity. Review status: criteria provided, conflicting classifications (1 of 4 stars). 7 submissions from 7 submitters: Uncertain significance (5); Benign (1); Likely benign (1). Last evaluated 2026-09-15.

Conditions:
Inborn genetic diseases. Identifiers: MedGen C0950123, MeSH D030342.
ADGRV1-related disorder. Also called: ADGRV1-related disorders; ADGRV1-related condition.

Allele frequency attached by ClinVar (database versions not stated): gnomAD 0.00039 and 0.00041; 1000 Genomes Project 0.00040; 1000 Genomes Project 30x 0.00047; TOPMed 0.00049; ESP Exome Variant Server 0.00075.
gnomAD v4.1: 114 of 1,609,234 alleles (0.0071%); highest among the groups gnomAD compares: African/African-American, 0.14%; no homozygotes.

Submissions (7):

PreventionGenetics, part of Exact Sciences
Classification: Uncertain significance for ADGRV1-related condition. Last evaluated: 2026-09-15. Review status: criteria provided, single submitter. Criteria: ACMG Guidelines, 2015. Collection method: clinical testing. Allele origin: germline.
Comment: The ADGRV1 c.14632C>T variant is predicted to result in the amino acid substitution p.Pro4878Ser. To our knowledge, this variant has not been reported in the literature. This variant is reported in 0.12% of alleles in individuals of African descent in gnomAD, which may be too frequent to be a primary cause of disease. Although we suspect that this variant may be benign, at this time, the clinical significance of this variant is uncertain due to the absence of conclusive functional and genetic evidence.

Labcorp Genetics (formerly Invitae), Labcorp
Classification: Benign. Last evaluated: 2026-01-08. Review status: criteria provided, single submitter. Criteria: Invitae Variant Classification Sherloc (09022015). Collection method: clinical testing. Allele origin: germline.

Women's Health and Genetics/Laboratory Corporation of America, LabCorp
Classification: Uncertain significance. Last evaluated: 2025-12-26. Review status: criteria provided, single submitter. Criteria: LabCorp Variant Classification Summary - May 2015. Collection method: clinical testing. Allele origin: germline.
Comment: Variant summary: ADGRV1 c.14632C>T (p.Pro4878Ser) results in a non-conservative amino acid change in the encoded protein sequence. Algorithms developed to predict the effect of missense changes on protein structure and function are either unavailable or do not agree on the potential impact of this missense change. The variant allele was found at a frequency of 8.7e-05 in 240966 control chromosomes. This frequency is not significantly higher than estimated for disease-causing variants in ADGRV1, allowing no conclusion about variant significance. To our knowledge, no occurrence of c.14632C>T in individuals affected with ADGRV1-related conditions and no experimental evidence demonstrating its impact on protein function have been reported. ClinVar contains an entry for this variant (Variation ID: 804496). Based on the evidence outlined above, the variant was classified as uncertain significance.

Blueprint Genetics
Classification: Uncertain significance. Last evaluated: 2023-09-08. Review status: criteria provided, single submitter. Criteria: ACMG Guidelines, 2015. Collection method: clinical testing. Allele origin: germline.

Ambry Genetics
Classification: Uncertain significance for Inborn genetic diseases. Last evaluated: 2021-09-01. Review status: criteria provided, single submitter. Criteria: Ambry Variant Classification Scheme 2023. Collection method: clinical testing. Allele origin: germline.

GeneDx
Classification: Likely benign. Last evaluated: 2021-08-12. Review status: criteria provided, single submitter. Criteria: GeneDx Variant Classification Process June 2021. Collection method: clinical testing. Allele origin: germline. Affected: yes.

Athena Diagnostics
Classification: Uncertain significance. Last evaluated: 2019-05-31. Review status: criteria provided, single submitter. Criteria: Athena Diagnostics Criteria. Collection method: clinical testing. Allele origin: germline.

NM_032119.4(ADGRV1):c.14632C>T (p.Pro4878Ser)

Gene: ADGRV1 (adhesion G protein-coupled receptor V1; plus strand). Cytogenetic location: 5q14.3.
Variant type: single nucleotide variant.
Coding change: c.14632C>T on transcript NM_032119.4 (MANE Select); coding-DNA position 14632, C replaced by T.
Protein change: p.Pro4878Ser; replaces proline 4878 with serine.
Molecular consequence: missense variant. On other transcripts: non-coding transcript variant (1).
Genome position (GRCh38, 1-based): chr5:90,802,853, C>T. VCF-style: chr5-90802853-C-T. GRCh37 (hg19) VCF-style: chr5-90098670-C-T.
Other names: short protein forms P4878S.
Identifiers: ClinVar variation 804496 (VCV000804496.15), dbSNP rs201072069, ClinGen allele CA3341771.